The following is an entry in ClinVar:

NM_025009.5(CEP135):c.575A>T (p.Asp192Val)

Gene: CEP135 (centrosomal protein 135; plus strand). Cytogenetic location: 4q12.
Variant type: single nucleotide variant.
Coding change: c.575A>T on transcript NM_025009.5 (MANE Select); coding-DNA position 575, A replaced by T.
Protein change: p.Asp192Val; replaces aspartic acid 192 with valine.
Molecular consequence: missense variant.
Genome position (GRCh38, 1-based): chr4:55,957,325, A>T. VCF-style: chr4-55957325-A-T. GRCh37 (hg19) VCF-style: chr4-56823491-A-T.
Other names: c.575A>T (NM_025009.3); short protein forms D192V.
Identifiers: ClinVar variation 1032209 (VCV001032209.7), dbSNP rs1324886097, ClinGen allele CA2927588.

ClinVar aggregate classification (germline): Uncertain significance. Review status: criteria provided, multiple submitters, no conflicts (2 of 4 stars). 3 submissions from 3 submitters: Uncertain significance (3). Last evaluated 2025-06-12.

Conditions:
Inborn genetic diseases. Identifiers: MedGen C0950123, MeSH D030342.
Microcephaly 8, primary, autosomal recessive. Identifiers: Orphanet 2512, MedGen C3553414, MONDO:0013849, OMIM 614673.

Allele frequency attached by ClinVar (database versions not stated): gnomAD 0.00001; gnomAD exomes 0.00001 and 0.00006; TOPMed 0.00004; ExAC 0.00005.
gnomAD v4.1: 14 of 1,613,838 alleles (0.00087%); highest among the groups gnomAD compares: Admixed American, 0.023%; no homozygotes.

Submissions (3):

Ambry Genetics
Classification: Uncertain significance for Inborn genetic diseases. Last evaluated: 2025-06-12. Review status: criteria provided, single submitter. Criteria: Ambry Variant Classification Scheme 2023. Collection method: clinical testing. Allele origin: germline.

Labcorp Genetics (formerly Invitae), Labcorp
Classification: Uncertain significance. Last evaluated: 2021-09-01. Review status: criteria provided, single submitter. Criteria: Invitae Variant Classification Sherloc (09022015). Collection method: clinical testing. Allele origin: germline.
Comment: This sequence change replaces aspartic acid with valine at codon 192 of the CEP135 protein (p.Asp192Val). The aspartic acid residue is moderately conserved and there is a large physicochemical difference between aspartic acid and valine. This variant is present in population databases (no rsID available, ExAC 0.05%). This variant has not been reported in the literature in individuals affected with CEP135-related conditions. ClinVar contains an entry for this variant (Variation ID: 1032209). Algorithms developed to predict the effect of missense changes on protein structure and function are either unavailable or do not agree on the potential impact of this missense change (SIFT: "Tolerated"; PolyPhen-2: "Probably Damaging"; Align-GVGD: "Class C0"). In summary, the available evidence is currently insufficient to determine the role of this variant in disease. Therefore, it has been classified as a Variant of Uncertain Significance.

Baylor Genetics
Classification: Uncertain significance for Microcephaly 8, primary, autosomal recessive. Last evaluated: 2018-04-27. Review status: criteria provided, single submitter. Criteria: ACMG Guidelines, 2015. Collection method: clinical testing. Allele origin: paternal. Affected: yes.
Comment: This variant was determined to be of uncertain significance according to ACMG Guidelines, 2015 [PMID:25741868].